The following is an entry in ClinVar:

ClinVar aggregate classification (germline): Benign (1 of 4 stars; one submission).

Conditions:
Lynch syndrome 5 (LYNCH5). Also called: Colorectal cancer, hereditary nonpolyposis, type 5; Hereditary non-polyposis colorectal cancer, type 5. Identifiers: Orphanet 144, MedGen C1833477, MONDO:0013710, OMIM 614350. Disease mechanism: loss of function.

Submission:

Myriad Genetics, Inc.
Classification: Benign for Lynch syndrome 5. Last evaluated: 2024-12-17. Review status: criteria provided, single submitter. Criteria: Myriad Autosomal Dominant, Autosomal Recessive and X-Linked Classification Criteria (2023). Collection method: clinical testing. Allele origin: unknown.
Comment: This variant is considered benign. This variant is a silent/synonymous amino acid change and it is not expected to impact splicing.

NM_000179.3(MSH6):c.183_186delinsACGA (p.Ala61_Arg62=)

Gene: MSH6 (mutS homolog 6; plus strand). Cytogenetic location: 2p16.3.
Variant type: Indel.
Coding change: c.183_186delinsACGA on transcript NM_000179.3 (MANE Select); coding-DNA positions 183 to 186, GCGC replaced by ACGA.
Protein change: p.Ala61_Arg62=.
Molecular consequence: synonymous variant. On other transcripts: 5 prime UTR variant (7), missense variant (1), non-coding transcript variant (5), intron variant (5).
Genome position (GRCh38, 1-based): chr2:47,783,416-47,783,419, GCGC replaced by ACGA. VCF-style: chr2-47783416-GCGC-ACGA. GRCh37 (hg19) VCF-style: chr2-48010555-GCGC-ACGA.
Other names: c.183_186delinsACGA, p.Ala61_Arg62= (NM_001281492.2, NM_001406795.1, NM_001406796.1 and 9 more transcripts); c.-554_-551delinsACGA (NM_001281493.2, NM_001406811.1); c.-146_-143delinsACGA (NM_001406799.1); c.128_131delinsACGA, p.Arg43_Ala44delinsHisAsp (NM_001406804.1); c.-746_-743delinsACGA (NM_001406807.1); c.-401_-398delinsACGA (NM_001406812.1); c.-812_-809delinsACGA (NM_001406814.1); c.-357_-354delinsACGA (NM_001406816.1); and 3 more.
Identifiers: ClinVar variation 3904083 (VCV003904083.1).